The following is an entry in ClinVar:

NM_004937.3(CTNS):c.1001C>A (p.Thr334Asn)

Gene: CTNS (cystinosin, lysosomal cystine transporter; plus strand). Cytogenetic location: 17p13.2.
Variant type: single nucleotide variant.
Coding change: c.1001C>A on transcript NM_004937.3 (MANE Select); coding-DNA position 1001, C replaced by A.
Protein change: p.Thr334Asn; replaces threonine 334 with asparagine.
Molecular consequence: missense variant.
Genome position (GRCh38, 1-based): chr17:3,660,266, C>A. VCF-style: chr17-3660266-C-A. GRCh37 (hg19) VCF-style: chr17-3563560-C-A.
Other names: c.1001C>A, p.Thr334Asn (NM_001031681.3, NM_001374492.1); c.560C>A, p.Thr187Asn (NM_001374493.1, NM_001374494.1, NM_001374495.1 and 1 more transcripts); short protein forms T187N, T334N.
Identifiers: ClinVar variation 3375343 (VCV003375343.1).
Genomic context (GRCh38, chr17:3,660,266, plus strand): 5'-CACCAGCTTCTGTCCCCCGGCTGCTAACAGACCAGTGGACGCTGATCTTCGGAGACCCAA[C>A]CAAGTTTGGACTCGGGGTCTTCTCCATCGTCTTCGACGTCGTCTTCTTCATCCAGCACTT-3'
Protein context (NP_004928.2, residues 324-344): DQWTLIFGDP[Thr334Asn]KFGLGVFSIV

ClinVar aggregate classification (germline): Uncertain significance (1 of 4 stars; one submission).

Submission:

Women's Health and Genetics/Laboratory Corporation of America, LabCorp
Classification: Uncertain significance. Last evaluated: 2024-09-20. Review status: criteria provided, single submitter. Criteria: LabCorp Variant Classification Summary - May 2015. Collection method: clinical testing. Allele origin: germline.
Comment: Variant summary: CTNS c.1001C>A (p.Thr334Asn) results in a non-conservative amino acid change in the encoded protein sequence. Five of five in-silico tools predict a damaging effect of the variant on protein function. The variant was absent in 251106 control chromosomes. c.1001C>A has been reported in the literature in individuals affected with Cystinosis (Servais_2008). These data indicate that the variant may be associated with disease. To our knowledge, no experimental evidence demonstrating an impact on protein function has been reported. The following publication have been ascertained in the context of this evaluation (PMID: 18178779). No submitters have cited clinical-significance assessments for this variant to ClinVar. Based on the evidence outlined above, the variant was classified as VUS-possibly pathogenic.

Literature cited by the submitters: PubMed 18178779.